The following is an entry in ClinVar:

NM_001723.7(DST):c.4726G>A (p.Val1576Ile)

Gene: DST (dystonin; minus strand). Cytogenetic location: 6p12.1.
Variant type: single nucleotide variant.
Coding change: c.4726G>A on transcript NM_001723.7 (MANE Plus Clinical); coding-DNA position 4726, G replaced by A.
Protein change: p.Val1576Ile; replaces valine 1576 with isoleucine.
Molecular consequence: missense variant. On other transcripts: intron variant (10).
Genome position (GRCh38, 1-based): chr6:56,619,308, C>T on the plus strand (G>A on the coding strand, the complement: DST is on the minus strand). VCF-style: chr6-56619308-C-T. GRCh37 (hg19) VCF-style: chr6-56484106-C-T.
Other names: c.4831-4824G>A (NM_001144769.5); c.4930-4824G>A (NM_001374722.1, NM_001374736.1); c.4957-4824G>A (NM_001374734.1); c.4417-4824G>A (NM_001144770.2); c.4297-4824G>A (NM_001374730.1, NM_001386100.1, NM_183380.4 and 1 more transcripts); c.3319-4824G>A (NM_015548.5); short protein forms V1576I.
Identifiers: ClinVar variation 852669 (VCV000852669.1), dbSNP rs2098663303, ClinGen allele CA364569007.

ClinVar aggregate classification (germline): Uncertain significance (1 of 4 stars; one submission).

Conditions:
Hereditary sensory and autonomic neuropathy type 6. Also called: HSAN VI; Neuropathy, hereditary sensory and autonomic, type VI. Identifiers: Orphanet 314381, MedGen C3539003, MONDO:0013839, OMIM 614653.
Epidermolysis bullosa simplex 3, localized or generalized intermediate, with BP230 deficiency (EBS3). Also called: Epidermolysis bullosa simplex due to BP230 deficiency; Epidermolysis bullosa simplex, autosomal recessive 2. Identifiers: Orphanet 412181, MedGen C3809470, MONDO:0014180, OMIM 615425.

Submission:

Labcorp Genetics (formerly Invitae), Labcorp
Classification: Uncertain significance for Epidermolysis bullosa simplex, autosomal recessive 2; Neuropathy, hereditary sensory and autonomic, type VI. Last evaluated: 2019-03-05. Review status: criteria provided, single submitter. Criteria: Invitae Variant Classification Sherloc (09022015). Collection method: clinical testing. Allele origin: germline.
Comment: This sequence change replaces valine with isoleucine at codon 1576 of the DST protein (p.Val1576Ile). The valine residue is weakly conserved and there is a small physicochemical difference between valine and isoleucine. This variant is not present in population databases (ExAC no frequency). This variant has not been reported in the literature in individuals with DST-related conditions. Algorithms developed to predict the effect of missense changes on protein structure and function (SIFT, PolyPhen-2, Align-GVGD) all suggest that this variant is likely to be tolerated, but these predictions have not been confirmed by published functional studies and their clinical significance is uncertain. In summary, the available evidence is currently insufficient to determine the role of this variant in disease. Therefore, it has been classified as a Variant of Uncertain Significance.